The following is an entry in ClinVar:

NM_001376.5(DYNC1H1):c.11295G>A (p.Thr3765=)

Gene: DYNC1H1 (dynein cytoplasmic 1 heavy chain 1; plus strand). Cytogenetic location: 14q32.31.
Variant type: single nucleotide variant.
Coding change: c.11295G>A on transcript NM_001376.5 (MANE Select); coding-DNA position 11295, G replaced by A.
Protein change: p.Thr3765=; no amino-acid change (threonine 3765 retained).
Molecular consequence: synonymous variant.
Genome position (GRCh38, 1-based): chr14:102,039,089, G>A. VCF-style: chr14-102039089-G-A. GRCh37 (hg19) VCF-style: chr14-102505426-G-A.
Identifiers: ClinVar variation 1154898 (VCV001154898.14), dbSNP rs372847973, ClinGen allele CA7353567.

ClinVar aggregate classification (germline): Likely benign. Review status: criteria provided, multiple submitters, no conflicts (2 of 4 stars). 4 submissions from 4 submitters: Likely benign (3). 1 of the submissions does not count toward it. Last evaluated 2025-10-26.

Conditions:
DYNC1H1-related disorder. Also called: DYNC1H1-related condition; DYNC1H1-related disorders. Identifiers: MedGen CN381529.
Charcot-Marie-Tooth disease axonal type 2O. Also called: CHARCOT-MARIE-TOOTH NEUROPATHY, AXONAL, TYPE 2O; CHARCOT-MARIE-TOOTH DISEASE, AXONAL, AUTOSOMAL DOMINANT, TYPE 2O; Charcot-Marie-Tooth Neuropathy Type 2O; Charcot-Marie-Tooth disease, axonal, type 20. Identifiers: Orphanet 284232, MedGen C3280220, MONDO:0013644, OMIM 614228.
Inborn genetic diseases. Identifiers: MedGen C0950123, MeSH D030342.

Allele frequency attached by ClinVar (database versions not stated): TOPMed 0.00002; gnomAD 0.00004 and 0.00005; gnomAD exomes 0.00004 and 0.00005; ExAC 0.00008; ESP Exome Variant Server 0.00008.
gnomAD v4.1: 57 of 1,614,102 alleles (0.0035%); highest among the groups gnomAD compares: South Asian, 0.016%; no homozygotes.

Submissions (4):

Labcorp Genetics (formerly Invitae), Labcorp
Classification: Likely benign for Charcot-Marie-Tooth disease axonal type 2O. Last evaluated: 2025-10-26. Review status: criteria provided, single submitter. Criteria: Invitae Variant Classification Sherloc (09022015). Collection method: clinical testing. Allele origin: germline.

Blueprint Genetics
Classification: Likely benign. Last evaluated: 2022-10-14. Review status: criteria provided, single submitter. Criteria: ACMG Guidelines, 2015. Collection method: clinical testing. Allele origin: germline.

Ambry Genetics
Classification: Likely benign for Inborn genetic diseases. Last evaluated: 2018-01-19. Review status: criteria provided, single submitter. Criteria: Ambry Variant Classification Scheme 2023. Collection method: clinical testing. Allele origin: germline.

PreventionGenetics, part of Exact Sciences
Classification: Likely benign for DYNC1H1-related condition. Last evaluated: 2019-04-15. Review status: no assertion criteria provided. Collection method: clinical testing. Allele origin: germline. Not counted in ClinVar's aggregate classification.
Comment: This variant is classified as likely benign based on ACMG/AMP sequence variant interpretation guidelines (Richards et al. 2015 PMID: 25741868, with internal and published modifications).